The following is an entry in ClinVar:

ClinVar aggregate classification (germline): Uncertain significance (1 of 4 stars; one submission).

gnomAD v4.1: 1 of 1,614,074 alleles (0.000062%); highest among the groups gnomAD compares: Non-Finnish European, 0.000085%; no homozygotes.

Submission:

Ambry Genetics
Classification: Uncertain significance. Last evaluated: 2023-12-15. Review status: criteria provided, single submitter. Criteria: Ambry Variant Classification Scheme 2023. Collection method: clinical testing. Allele origin: germline.
Comment: The p.E107A variant (also known as c.320A>C), located in coding exon 3 of the BUB3 gene, results from an A to C substitution at nucleotide position 320. The glutamic acid at codon 107 is replaced by alanine, an amino acid with dissimilar properties. This amino acid position is conserved. In addition, the in silico prediction for this alteration is inconclusive. Since supporting evidence is limited at this time, the clinical significance of this alteration remains unclear.

NM_004725.4(BUB3):c.320A>C (p.Glu107Ala)

Gene: BUB3 (BUB3 mitotic checkpoint protein; plus strand). Cytogenetic location: 10q26.13.
Variant type: single nucleotide variant.
Coding change: c.320A>C on transcript NM_004725.4 (MANE Select); coding-DNA position 320, A replaced by C.
Protein change: p.Glu107Ala; replaces glutamic acid 107 with alanine.
Molecular consequence: missense variant.
Genome position (GRCh38, 1-based): chr10:123,157,783, A>C. VCF-style: chr10-123157783-A-C. GRCh37 (hg19) VCF-style: chr10-124917299-A-C.
Other names: c.320A>C, p.Glu107Ala (NM_001007793.3); short protein forms E107A.
Identifiers: ClinVar variation 3224498 (VCV003224498.1), dbSNP rs1389717296, ClinGen allele CA378625449.